The following is an entry in ClinVar:

ClinVar aggregate classification (germline): Likely benign. Review status: criteria provided, single submitter (1 of 4 stars). 2 submissions from 1 submitter: Likely benign (2). Last evaluated 2018-01-12.

Conditions:
Holoprosencephaly sequence (HPE). Also called: Holoprosencephaly. Identifiers: Orphanet 2162, MedGen C0079541, MONDO:0016296, HP:0001360.
Heterotaxy, visceral, 5, autosomal (HTX5). Also called: Heterotaxy, visceral, 5. Identifiers: Orphanet 450, MedGen C3495537, MONDO:0700112, OMIM 270100.

Allele frequency attached by ClinVar (database versions not stated): gnomAD below 0.00001 and 0.00001; TOPMed 0.00001; gnomAD exomes 0.00002 and 0.00005; ExAC 0.00007.
gnomAD v4.1: 37 of 1,614,188 alleles (0.0023%); highest among the groups gnomAD compares: South Asian, 0.03%; 1 homozygote.

Submissions (2):

Illumina Laboratory Services, Illumina
Classification: Likely benign for Holoprosencephaly sequence. Last evaluated: 2018-01-12. Review status: criteria provided, single submitter. Criteria: ICSL Variant Classification Criteria 13 December 2019. Collection method: clinical testing. Allele origin: germline.
Comment: This variant was observed in the ICSL laboratory as part of a predisposition screen in an ostensibly healthy population. It had not been previously curated by ICSL or reported in the Human Gene Mutation Database (HGMD: prior to June 1st, 2018), and was therefore a candidate for classification through an automated scoring system. Utilizing variant allele frequency, disease prevalence and penetrance estimates, and inheritance mode, an automated score was calculated to assess if this variant is too frequent to cause the disease. Based on the score and internal cut-off values, a variant classified as likely benign is not then subjected to further curation. The score for this variant resulted in a classification of likely benign for this disease.

Illumina Laboratory Services, Illumina
Classification: Likely benign for Heterotaxy, visceral, 5, autosomal. Last evaluated: 2018-01-12. Review status: criteria provided, single submitter. Criteria: ICSL Variant Classification Criteria 13 December 2019. Collection method: clinical testing. Allele origin: germline.
Comment: the same text as in the submission from Illumina Laboratory Services, Illumina above.

NM_018055.5(NODAL):c.417C>T (p.Val139=)

Gene: NODAL (nodal growth differentiation factor; minus strand). Cytogenetic location: 10q22.1.
Variant type: single nucleotide variant.
Coding change: c.417C>T on transcript NM_018055.5 (MANE Select); coding-DNA position 417, C replaced by T.
Protein change: p.Val139=; no amino-acid change (valine 139 retained).
Molecular consequence: synonymous variant.
Genome position (GRCh38, 1-based): chr10:70,435,760, G>A on the plus strand (C>T on the coding strand, the complement: NODAL is on the minus strand). VCF-style: chr10-70435760-G-A. GRCh37 (hg19) VCF-style: chr10-72195516-G-A.
Other names: c.18C>T, p.Val6= (NM_001329906.2).
Identifiers: ClinVar variation 300303 (VCV000300303.5), dbSNP rs764201898, ClinGen allele CA5537602.